The following is an entry in ClinVar:

ClinVar aggregate classification (germline): Uncertain significance (1 of 4 stars; one submission).

Allele frequency attached by ClinVar (database versions not stated): gnomAD exomes below 0.00001.
gnomAD v4.1: 2 of 1,612,872 alleles (0.00012%); highest among the groups gnomAD compares: South Asian, 0.0011%; no homozygotes.

Submission:

Labcorp Genetics (formerly Invitae), Labcorp
Classification: Uncertain significance. Last evaluated: 2022-03-21. Review status: criteria provided, single submitter. Criteria: Invitae Variant Classification Sherloc (09022015). Collection method: clinical testing. Allele origin: germline.
Comment: This variant is not present in population databases (gnomAD no frequency). In summary, the available evidence is currently insufficient to determine the role of this variant in disease. Therefore, it has been classified as a Variant of Uncertain Significance. Algorithms developed to predict the effect of missense changes on protein structure and function output the following: SIFT: "Tolerated"; PolyPhen-2: "Benign"; Align-GVGD: "Class C0". The isoleucine amino acid residue is found in multiple mammalian species, which suggests that this missense change does not adversely affect protein function. This variant has not been reported in the literature in individuals affected with KIF11-related conditions. This sequence change replaces threonine, which is neutral and polar, with isoleucine, which is neutral and non-polar, at codon 1029 of the KIF11 protein (p.Thr1029Ile).

NM_004523.4(KIF11):c.3086C>T (p.Thr1029Ile)

Gene: KIF11 (kinesin family member 11; plus strand). Cytogenetic location: 10q23.33.
Variant type: single nucleotide variant.
Coding change: c.3086C>T on transcript NM_004523.4 (MANE Select); coding-DNA position 3086, C replaced by T.
Protein change: p.Thr1029Ile; replaces threonine 1029 with isoleucine.
Molecular consequence: missense variant.
Genome position (GRCh38, 1-based): chr10:92,653,711, C>T. VCF-style: chr10-92653711-C-T. GRCh37 (hg19) VCF-style: chr10-94413468-C-T.
Other names: short protein forms T1029I.
Identifiers: ClinVar variation 1957494 (VCV001957494.5), dbSNP rs2492549307, ClinGen allele CA377808395.